The following is an entry in ClinVar:

NM_021922.3(FANCE):c.1510-1G>A

Gene: FANCE (FA complementation group E; plus strand). Cytogenetic location: 6p21.31.
Variant type: single nucleotide variant.
Coding change: c.1510-1G>A on transcript NM_021922.3 (MANE Select); the canonical splice acceptor site of the intron before coding-DNA position 1510, G replaced by A.
Molecular consequence: splice acceptor variant.
Genome position (GRCh38, 1-based): chr6:35,466,243, G>A. VCF-style: chr6-35466243-G-A. GRCh37 (hg19) VCF-style: chr6-35434020-G-A.
Other names: c.1317-1G>A (NM_001410876.1).
Identifiers: ClinVar variation 929581 (VCV000929581.5), dbSNP rs772678337, ClinGen allele CA3771751.
Genomic context (GRCh38, chr6:35,466,243, plus strand): 5'-TAGTCGGGAGACGGGAGGGATCAGTTGCTGGAGTCCTGACATGATTTTTCCTTCTCCCCA[G>A]ATCACTGAGACCCAGAGGCTGGGCCTGGCTATGGCCCTAGAACCTAACACCACCTTCCTG-3'

ClinVar aggregate classification (germline): Conflicting classifications of pathogenicity. Review status: criteria provided, conflicting classifications (1 of 4 stars). 3 submissions from 3 submitters: Likely pathogenic (1); Uncertain significance (1). 1 of the submissions does not count toward it. Last evaluated 2023-02-16.

Conditions:
Fanconi anemia complementation group E (FANCE). Also called: FANCE-Related Fanconi Anemia. Identifiers: Orphanet 84, MedGen C3160739, MONDO:0010953, OMIM 600901.

Allele frequency attached by ClinVar (database versions not stated): gnomAD exomes below 0.00001 and 0.00001; ExAC 0.00002; TOPMed 0.00002.
gnomAD v4.1: 2 of 1,604,314 alleles (0.00012%); highest among the groups gnomAD compares: South Asian, 0.0022%; no homozygotes.

Submissions (3):

Baylor Genetics
Classification: Likely pathogenic for Fanconi anemia complementation group E. Last evaluated: 2023-02-16. Review status: criteria provided, single submitter. Criteria: ACMG Guidelines, 2015. Collection method: clinical testing. Allele origin: unknown.

Labcorp Genetics (formerly Invitae), Labcorp
Classification: Uncertain significance for Fanconi anemia complementation group E. Last evaluated: 2022-10-13. Review status: criteria provided, single submitter. Criteria: Invitae Variant Classification Sherloc (09022015). Collection method: clinical testing. Allele origin: germline.
Comment: This sequence change affects an acceptor splice site in intron 9 of the FANCE gene. While this variant is not anticipated to result in nonsense mediated decay, it likely alters RNA splicing and results in a disrupted protein product. This variant is present in population databases (rs772678337, gnomAD 0.006%). Disruption of this splice site has been observed in individual(s) with clinical features of FANCE-related conditions (Invitae). ClinVar contains an entry for this variant (Variation ID: 929581). Variants that disrupt the consensus splice site are a relatively common cause of aberrant splicing (PMID: 17576681, 9536098). Algorithms developed to predict the effect of sequence changes on RNA splicing suggest that this variant may disrupt the consensus splice site. In summary, the available evidence is currently insufficient to determine the role of this variant in disease. Therefore, it has been classified as a Variant of Uncertain Significance.

Leiden Open Variation Database
Classification: Pathogenic for Fanconi anemia complementation group E. Last evaluated: 2011-02-07. Review status: no assertion criteria provided. Collection method: curation. Allele origin: germline. Affected: yes. Not counted in ClinVar's aggregate classification.
Comment: Curator: Arleen D. Auerbach. Submitter to LOVD: Arleen D. Auerbach.

Literature cited by the submitters: PubMed 17576681 (cited by Labcorp Genetics (formerly Invitae), Labcorp); PubMed 9536098 (cited by Labcorp Genetics (formerly Invitae), Labcorp).